The following is an entry in ClinVar:

NM_024675.4(PALB2):c.1255T>C (p.Cys419Arg)

Gene: PALB2 (partner and localizer of BRCA2; minus strand). Cytogenetic location: 16p12.2.
Variant type: single nucleotide variant.
Coding change: c.1255T>C on transcript NM_024675.4 (MANE Select); coding-DNA position 1255, T replaced by C.
Protein change: p.Cys419Arg; replaces cysteine 419 with arginine.
Molecular consequence: missense variant.
Genome position (GRCh38, 1-based): chr16:23,635,291, A>G on the plus strand (T>C on the coding strand, the complement: PALB2 is on the minus strand). VCF-style: chr16-23635291-A-G. GRCh37 (hg19) VCF-style: chr16-23646612-A-G.
Other names: c.1195T>C, p.Cys399Arg (NM_001407296.1); c.1255T>C, p.Cys419Arg (NM_001407297.1, NM_001407298.1, NM_001407299.1 and 3 more transcripts); c.370T>C, p.Cys124Arg (NM_001407304.1, NM_001407305.1, NM_001407306.1 and 5 more transcripts); short protein forms C399R, C124R, C419R.
Identifiers: ClinVar variation 1969578 (VCV001969578.5), dbSNP rs2142421373, ClinGen allele CA395132854.

ClinVar aggregate classification (germline): Conflicting classifications of pathogenicity. Review status: criteria provided, conflicting classifications (1 of 4 stars). 2 submissions from 2 submitters: Uncertain significance (1); Likely benign (1). Last evaluated 2024-02-12.

Conditions:
Hereditary cancer-predisposing syndrome. Also called: Tumor predisposition; Hereditary Cancer Syndrome; Hereditary neoplastic syndrome; Neoplastic Syndromes, Hereditary. Identifiers: Orphanet 140162, MedGen C0027672, MeSH D009386, MONDO:0015356.
Familial cancer of breast. Also called: BREAST CANCER, FAMILIAL; Hereditary breast cancer; hereditary breast carcinoma. Identifiers: Orphanet 227535, MedGen C0346153, MONDO:0016419, OMIM 114480. Disease mechanism: loss of function.

Submissions (2):

Ambry Genetics
Classification: Likely benign for Hereditary cancer-predisposing syndrome. Last evaluated: 2024-02-12. Review status: criteria provided, single submitter. Criteria: Ambry Variant Classification Scheme 2023. Collection method: clinical testing. Allele origin: germline.

Labcorp Genetics (formerly Invitae), Labcorp
Classification: Uncertain significance for Familial cancer of breast. Last evaluated: 2023-12-19. Review status: criteria provided, single submitter. Criteria: Invitae Variant Classification Sherloc (09022015). Collection method: clinical testing. Allele origin: germline.
Comment: This sequence change replaces cysteine, which is neutral and slightly polar, with arginine, which is basic and polar, at codon 419 of the PALB2 protein (p.Cys419Arg). This variant is not present in population databases (gnomAD no frequency). This missense change has been observed in individual(s) with breast cancer (PMID: 33811135). ClinVar contains an entry for this variant (Variation ID: 1969578). Advanced modeling of protein sequence and biophysical properties (such as structural, functional, and spatial information, amino acid conservation, physicochemical variation, residue mobility, and thermodynamic stability) performed at Invitae indicates that this missense variant is not expected to disrupt PALB2 protein function with a negative predictive value of 80%. In summary, the available evidence is currently insufficient to determine the role of this variant in disease. Therefore, it has been classified as a Variant of Uncertain Significance.

Literature cited by the submitters: PubMed 33811135 (cited by Labcorp Genetics (formerly Invitae), Labcorp).